The following is an entry in ClinVar:

ClinVar aggregate classification (germline): Conflicting classifications of pathogenicity. Review status: criteria provided, conflicting classifications (1 of 4 stars). 2 submissions from 2 submitters: Likely pathogenic (1); Uncertain significance (1). Last evaluated 2025-12-09.

Conditions:
Telangiectasia, hereditary hemorrhagic, type 2 (HHT2). Also called: ACVRL1-Related Hereditary Hemorrhagic Telangiectasia; Telangiectasia, hereditary hemorrhagic, type II. Identifiers: Orphanet 774, MedGen C1838163, MONDO:0010880, OMIM 600376. Disease mechanism: loss of function.

Submissions (2):

Labcorp Genetics (formerly Invitae), Labcorp
Classification: Uncertain significance for Telangiectasia, hereditary hemorrhagic, type 2. Last evaluated: 2025-12-09. Review status: criteria provided, single submitter. Criteria: Invitae Variant Classification Sherloc (09022015). Collection method: clinical testing. Allele origin: germline.
Comment: This sequence change replaces leucine, which is neutral and non-polar, with proline, which is neutral and non-polar, at codon 337 of the ACVRL1 protein (p.Leu337Pro). This variant is not present in population databases (gnomAD no frequency). This missense change has been observed in individual(s) with hereditary hemorrhagic telangiectasia (PMID: 15024723, 16690726). ClinVar contains an entry for this variant (Variation ID: 695029). Invitae Evidence Modeling of protein sequence and biophysical properties (such as structural, functional, and spatial information, amino acid conservation, physicochemical variation, residue mobility, and thermodynamic stability) indicates that this missense variant is expected to disrupt ACVRL1 protein function with a positive predictive value of 95%. In summary, the available evidence is currently insufficient to determine the role of this variant in disease. Therefore, it has been classified as a Variant of Uncertain Significance.

Center of Genomic medicine, Geneva, University Hospital of Geneva
Classification: Likely pathogenic for Telangiectasia, hereditary hemorrhagic, type 2. Last evaluated: 2018-09-14. Review status: criteria provided, single submitter. Criteria: ACMG Guidelines, 2015. Collection method: clinical testing. Allele origin: germline. Affected: yes. Observed: 1 variant allele.

Literature cited by the submitters: PubMed 15024723 (cited by Labcorp Genetics (formerly Invitae), Labcorp); PubMed 16690726 (cited by Labcorp Genetics (formerly Invitae), Labcorp).

NM_000020.3(ACVRL1):c.1010T>C (p.Leu337Pro)

Gene: ACVRL1 (activin A receptor like type 1; plus strand). Cytogenetic location: 12q13.13.
Variant type: single nucleotide variant.
Coding change: c.1010T>C on transcript NM_000020.3 (MANE Select); coding-DNA position 1010, T replaced by C.
Protein change: p.Leu337Pro; replaces leucine 337 with proline.
Molecular consequence: missense variant.
Genome position (GRCh38, 1-based): chr12:51,915,462, T>C. VCF-style: chr12-51915462-T-C. GRCh37 (hg19) VCF-style: chr12-52309246-T-C.
Other names: c.1010T>C, p.Leu337Pro (NM_001077401.2); short protein forms L337P.
Identifiers: ClinVar variation 695029 (VCV000695029.12), dbSNP rs1592224349, ClinGen allele CA384901627.